The following is an entry in ClinVar:

NM_005902.4(SMAD3):c.321G>C (p.Glu107Asp)

Gene: SMAD3 (SMAD family member 3; plus strand). Cytogenetic location: 15q22.33.
Variant type: single nucleotide variant.
Coding change: c.321G>C on transcript NM_005902.4 (MANE Select); coding-DNA position 321, G replaced by C.
Protein change: p.Glu107Asp; replaces glutamic acid 107 with aspartic acid.
Molecular consequence: missense variant.
Genome position (GRCh38, 1-based): chr15:67,165,009, G>C. VCF-style: chr15-67165009-G-C. GRCh37 (hg19) VCF-style: chr15-67457347-G-C.
Other names: c.6G>C, p.Glu2Asp (NM_001145102.2, NM_001407015.1, NM_001407016.1); c.189G>C, p.Glu63Asp (NM_001145103.2); c.321G>C, p.Glu107Asp (NM_001407011.1, NM_001407012.1, NM_001407013.1); c.174G>C, p.Glu58Asp (NM_001407014.1); short protein forms E107D, E2D, E58D, E63D.
Identifiers: ClinVar variation 3386007 (VCV003386007.1).

ClinVar aggregate classification (germline): Uncertain significance (1 of 4 stars; one submission).

Conditions:
Aneurysm-osteoarthritis syndrome. Also called: LOEYS-DIETZ SYNDROME WITH OSTEOARTHRITIS; SMAD3-Related Loeys-Dietz Syndrome; ANEURYSMS-OSTEOARTHRITIS SYNDROME; Loeys-Dietz syndrome, type 1C. Identifiers: Orphanet 284984, MedGen C3151087, MONDO:0013426, OMIM 613795.

Submission:

All of Us Research Program, National Institutes of Health
Classification: Uncertain significance for Aneurysm-osteoarthritis syndrome. Last evaluated: 2024-04-16. Review status: criteria provided, single submitter. Criteria: ACMG Guidelines, 2015. Collection method: clinical testing. Allele origin: germline. Inheritance: Autosomal dominant inheritance. Observed: 1 variant allele, 1 heterozygote.
Comment: This missense variant replaces glutamic acid with aspartic acid at codon 107 of the SMAD3 protein. Computational prediction suggests that this variant may not impact protein structure and function (internally defined REVEL score threshold <= 0.5, PMID: 27666373). To our knowledge, functional studies have not been reported for this variant. This variant has not been reported in individuals affected with SMAD3-related disorders in the literature. This variant has not been identified in the general population by the Genome Aggregation Database (gnomAD). The available evidence is insufficient to determine the role of this variant in disease conclusively. Therefore, this variant is classified as a Variant of Uncertain Significance.

This study involves interpretation of variants in research participants for the purpose of population health screening. Participant phenotype was not available at the time of variant classification. Additional details can be found in publication PMID: 35346344, PMCID: PMC8962531